The following is an entry in ClinVar:

ClinVar aggregate classification (germline): other (0 of 4 stars; one submission).

Conditions:
Familial colorectal cancer. Identifiers: MedGen CN280943, MONDO:0023113. Disease mechanism: loss of function.

Submission:

Systems Biology Platform Zhejiang California International NanoSystems Institute
Classification: other for Familial colorectal cancer. Review status: no assertion criteria provided. Collection method: not provided. Allele origin: unknown.
ClinVar note: Converted during submission from cancer to other.

NM_000038.6(APC):c.-19+5503T>A

Gene: APC (APC regulator of WNT signaling pathway; plus strand). Cytogenetic location: 5q22.2.
Variant type: single nucleotide variant.
Coding change: c.-19+5503T>A on transcript NM_000038.6 (MANE Select); 5503 bases into the intron after 19 bases upstream of the start codon, T replaced by A.
Molecular consequence: intron variant.
Genome position (GRCh38, 1-based): chr5:112,743,428, T>A. VCF-style: chr5-112743428-T-A. GRCh37 (hg19) VCF-style: chr5-112079125-T-A.
Other names: c.-18-11445T>A (NM_001354895.2); c.166-22898T>A (NM_001354897.2, NM_001354902.2, NM_001127511.3); c.-19+4968T>A (NM_001127510.3); c.60+4968T>A (NM_001354898.2, NM_001354904.2); c.-1054+5503T>A (NM_001354906.2); c.-19+5503T>A (NM_001354896.2, NM_001354903.2, NM_001354899.2); c.-43+5503T>A (NM_001354900.2, NM_001354901.2, NM_001354905.2).
Identifiers: ClinVar variation 82346 (VCV000082346.2), dbSNP rs80063288, ClinGen allele CA006560.
Genomic context (GRCh38, chr5:112,743,428, plus strand): 5'-GGATTTGGCCATCTTTGTGGGGCCATACACAGGCATACTCATCTGGTTCTCCATTTTTTT[T>A]AAGCTGAAGGATTTTTTTAGTTATTTTTACTTTTGCGAATGTGTGTTACTTTCTTTTGGT-3'